The following is an entry in ClinVar:

ClinVar aggregate classification (germline): Uncertain significance (1 of 4 stars; one submission).

Conditions:
Cardiovascular phenotype. Identifiers: MedGen CN230736.

Submission:

Ambry Genetics
Classification: Uncertain significance for Cardiovascular phenotype. Last evaluated: 2025-01-27. Review status: criteria provided, single submitter. Criteria: Ambry Variant Classification Scheme 2023. Collection method: clinical testing. Allele origin: germline.
Comment: The p.K2119E variant (also known as c.6355A>G), located in coding exon 27 of the AKAP9 gene, results from an A to G substitution at nucleotide position 6355. The lysine at codon 2119 is replaced by glutamic acid, an amino acid with similar properties. This amino acid position is conserved. In addition, this alteration is predicted to be tolerated by in silico analysis. Based on the available evidence, the clinical significance of this variant remains unclear.

NM_005751.5(AKAP9):c.6355A>G (p.Lys2119Glu)

Gene: AKAP9 (A-kinase anchoring protein 9; plus strand). Cytogenetic location: 7q21.2.
Variant type: single nucleotide variant.
Coding change: c.6355A>G on transcript NM_005751.5 (MANE Select); coding-DNA position 6355, A replaced by G.
Protein change: p.Lys2119Glu; replaces lysine 2119 with glutamic acid.
Molecular consequence: missense variant.
Genome position (GRCh38, 1-based): chr7:92,070,054, A>G. VCF-style: chr7-92070054-A-G. GRCh37 (hg19) VCF-style: chr7-91699368-A-G.
Other names: c.1000A>G, p.Lys334Glu (NM_001379277.1); c.6355A>G, p.Lys2119Glu (NM_147185.3); short protein forms K334E, K2119E.
Identifiers: ClinVar variation 3849478 (VCV003849478.1).